The following is an entry in ClinVar:

ClinVar aggregate classification (germline): Uncertain significance (1 of 4 stars; one submission).

Conditions:
Adams-Oliver syndrome 5 (AOS5). Identifiers: Orphanet 974, MedGen C4014970, MONDO:0014459, OMIM 616028.

Allele frequency attached by ClinVar (database versions not stated): gnomAD exomes below 0.00001; ExAC 0.00001; gnomAD 0.00001.
gnomAD v4.1: 4 of 1,606,934 alleles (0.00025%); highest among the groups gnomAD compares: South Asian, 0.0011%; no homozygotes.

Submission:

Labcorp Genetics (formerly Invitae), Labcorp
Classification: Uncertain significance for Adams-Oliver syndrome 5. Last evaluated: 2024-01-20. Review status: criteria provided, single submitter. Criteria: Invitae Variant Classification Sherloc (09022015). Collection method: clinical testing. Allele origin: germline.
Comment: This sequence change replaces proline, which is neutral and non-polar, with serine, which is neutral and polar, at codon 2142 of the NOTCH1 protein (p.Pro2142Ser). This variant is present in population databases (rs764176079, gnomAD 0.0009%). This missense change has been observed in individual(s) with thoracic aortic aneurysm and/or dissection (PMID: 34498425). Advanced modeling of protein sequence and biophysical properties (such as structural, functional, and spatial information, amino acid conservation, physicochemical variation, residue mobility, and thermodynamic stability) performed at Invitae indicates that this missense variant is not expected to disrupt NOTCH1 protein function with a negative predictive value of 80%. In summary, the available evidence is currently insufficient to determine the role of this variant in disease. Therefore, it has been classified as a Variant of Uncertain Significance.

Literature cited by the submitters: PubMed 34498425.

NM_017617.5(NOTCH1):c.6424C>T (p.Pro2142Ser)

Gene: NOTCH1 (notch receptor 1; minus strand). Cytogenetic location: 9q34.3.
Variant type: single nucleotide variant.
Coding change: c.6424C>T on transcript NM_017617.5 (MANE Select); coding-DNA position 6424, C replaced by T.
Protein change: p.Pro2142Ser; replaces proline 2142 with serine.
Molecular consequence: missense variant.
Genome position (GRCh38, 1-based): chr9:136,497,315, G>A on the plus strand (C>T on the coding strand, the complement: NOTCH1 is on the minus strand). VCF-style: chr9-136497315-G-A. GRCh37 (hg19) VCF-style: chr9-139391767-G-A.
Other names: short protein forms P2142S.
Identifiers: ClinVar variation 2710473 (VCV002710473.3), dbSNP rs764176079, ClinGen allele CA5339904.